The following is an entry in ClinVar:

ClinVar aggregate classification (germline): Pathogenic (1 of 4 stars; one submission).

Submission:

Labcorp Genetics (formerly Invitae), Labcorp
Classification: Pathogenic. Last evaluated: 2023-02-22. Review status: criteria provided, single submitter. Criteria: Invitae Variant Classification Sherloc (09022015). Collection method: clinical testing. Allele origin: germline.
Comment: For these reasons, this variant has been classified as Pathogenic. This variant has not been reported in the literature in individuals affected with COL11A2-related conditions. This variant is not present in population databases (gnomAD no frequency). This sequence change creates a premature translational stop signal (p.Asn1604Thrfs*10) in the COL11A2 gene. It is expected to result in an absent or disrupted protein product. Loss-of-function variants in COL11A2 are known to be pathogenic (PMID: 10677296, 21204229).

Literature cited by the submitters: PubMed 10677296; PubMed 21204229.

NM_080680.3(COL11A2):c.4811del (p.Asn1604fs)

Gene: COL11A2 (collagen type XI alpha 2 chain; minus strand). Cytogenetic location: 6p21.32.
Variant type: Deletion.
Coding change: c.4811del on transcript NM_080680.3 (MANE Select); coding-DNA position 4811, one base deleted (A; older notation c.4811delA).
Protein change: p.Asn1604fs; shifts the reading frame from asparagine 1604.
Molecular consequence: frameshift variant.
Genome position (GRCh38, 1-based): chr6:33,164,904, T deleted on the plus strand (A on the coding strand, the reverse complement: COL11A2 is on the minus strand); the first of 2 consecutive T bases (chr6:33,164,904-33,164,905); deleting either gives the same sequence. VCF-style (leftmost placement, unchanged base first): chr6-33164903-GT-G. GRCh37 (hg19) VCF-style: chr6-33132680-GT-G.
Other names: c.4631del, p.Asn1544fs (NM_001424108.1); c.3965del, p.Asn1322fs (NM_001424109.1); c.3785del, p.Asn1262fs (NM_001424110.1, NM_001424111.1); c.2765del, p.Asn922fs (NM_001424112.1); c.4490del, p.Asn1497fs (NM_080679.3); c.4553del, p.Asn1518fs (NM_080681.3); short protein forms N1544fs, N922fs, N1262fs, N1518fs, N1604fs, N1497fs, N1322fs.
Identifiers: ClinVar variation 2839891 (VCV002839891.3), dbSNP rs2534413138, ClinGen allele CA2739273022.